The following is an entry in ClinVar:

ClinVar aggregate classification (germline): Uncertain significance (1 of 4 stars; one submission).

Submission:

CeGaT Center for Human Genetics Tuebingen
Classification: Uncertain significance. Last evaluated: 2026-09-01. Review status: criteria provided, single submitter. Criteria: CeGaT Center For Human Genetics Tuebingen Variant Classification Criteria Version 2. Collection method: clinical testing. Allele origin: germline. Affected: yes. Observed: 1 variant allele.
Comment: ANO5: PM2, PM3:Supporting

NM_213599.3(ANO5):c.685G>A (p.Glu229Lys)

Gene: ANO5 (anoctamin 5; plus strand). Cytogenetic location: 11p14.3.
Variant type: single nucleotide variant.
Coding change: c.685G>A on transcript NM_213599.3 (MANE Select); coding-DNA position 685, G replaced by A.
Protein change: p.Glu229Lys; replaces glutamic acid 229 with lysine.
Molecular consequence: missense variant. On other transcripts: intron variant (2).
Genome position (GRCh38, 1-based): chr11:22,236,199, G>A. VCF-style: chr11-22236199-G-A. GRCh37 (hg19) VCF-style: chr11-22257745-G-A.
Other names: c.592G>A, p.Glu198Lys (NM_001441296.1, NM_001441302.1); c.565G>A, p.Glu189Lys (NM_001441297.1); c.643G>A, p.Glu215Lys (NM_001441300.1, NM_001410963.1); c.640G>A, p.Glu214Lys (NM_001441301.1, NM_001410964.1); c.607-3370G>A (NM_001441298.1); c.604-3370G>A (NM_001441299.1); c.682G>A, p.Glu228Lys (NM_001142649.2); c.607G>A, p.Glu203Lys (NM_001441294.1); and 1 more; short protein forms E189K, E198K, E202K, E203K, E214K, E215K, E228K, E229K.
Identifiers: ClinVar variation 5040700 (VCV005040700.1).